The following is an entry in ClinVar:

NM_001134831.2(AHI1):c.2171T>C (p.Ile724Thr)

Gene: AHI1 (Abelson helper integration site 1; minus strand). Cytogenetic location: 6q23.3.
Variant type: single nucleotide variant.
Coding change: c.2171T>C on transcript NM_001134831.2 (MANE Select); coding-DNA position 2171, T replaced by C.
Protein change: p.Ile724Thr; replaces isoleucine 724 with threonine.
Molecular consequence: missense variant.
Genome position (GRCh38, 1-based): chr6:135,433,122, A>G on the plus strand (T>C on the coding strand, the complement: AHI1 is on the minus strand). VCF-style: chr6-135433122-A-G. GRCh37 (hg19) VCF-style: chr6-135754260-A-G.
Other names: c.2171T>C, p.Ile724Thr (NM_001134830.2, NM_001134832.2, NM_001350503.2 and 2 more transcripts); short protein forms I724T.
Identifiers: ClinVar variation 2185462 (VCV002185462.4), dbSNP rs376401728, ClinGen allele CA4012433.

ClinVar aggregate classification (germline): Uncertain significance (1 of 4 stars; one submission).

Conditions:
Joubert syndrome. Also called: CEREBELLOPARENCHYMAL DISORDER IV; JOUBERT-BOLTSHAUSER SYNDROME; Familial aplasia of the vermis. Identifiers: Orphanet 475, MedGen C5979921, MONDO:0018772.

Allele frequency attached by ClinVar (database versions not stated): ExAC 0.00001; ESP Exome Variant Server 0.00008.

Submission:

Labcorp Genetics (formerly Invitae), Labcorp
Classification: Uncertain significance for Joubert syndrome. Last evaluated: 2023-11-27. Review status: criteria provided, single submitter. Criteria: Invitae Variant Classification Sherloc (09022015). Collection method: clinical testing. Allele origin: germline.
Comment: This sequence change replaces isoleucine, which is neutral and non-polar, with threonine, which is neutral and polar, at codon 724 of the AHI1 protein (p.Ile724Thr). This variant is present in population databases (rs376401728, gnomAD 0.0009%). This variant has not been reported in the literature in individuals affected with AHI1-related conditions. ClinVar contains an entry for this variant (Variation ID: 2185462). Advanced modeling of protein sequence and biophysical properties (such as structural, functional, and spatial information, amino acid conservation, physicochemical variation, residue mobility, and thermodynamic stability) has been performed at Invitae for this missense variant, however the output from this modeling did not meet the statistical confidence thresholds required to predict the impact of this variant on AHI1 protein function. In summary, the available evidence is currently insufficient to determine the role of this variant in disease. Therefore, it has been classified as a Variant of Uncertain Significance.